The following is an entry in ClinVar:

ClinVar aggregate classification (germline): Uncertain significance (1 of 4 stars; one submission).

Submission:

Labcorp Genetics (formerly Invitae), Labcorp
Classification: Uncertain significance. Last evaluated: 2021-11-04. Review status: criteria provided, single submitter. Criteria: Invitae Variant Classification Sherloc (09022015). Collection method: clinical testing. Allele origin: germline.
Comment: This sequence change replaces arginine, which is basic and polar, with glycine, which is neutral and non-polar, at codon 168 of the OR2W3 protein (p.Arg168Gly). This variant is not present in population databases (gnomAD no frequency). This variant has not been reported in the literature in individuals affected with OR2W3-related conditions. Algorithms developed to predict the effect of missense changes on protein structure and function are either unavailable or do not agree on the potential impact of this missense change (SIFT: "Tolerated"; PolyPhen-2: "Possibly Damaging"; Align-GVGD: "Class C0"). In summary, the available evidence is currently insufficient to determine the role of this variant in disease. Therefore, it has been classified as a Variant of Uncertain Significance.

NM_001001957.2(OR2W3):c.502C>G (p.Arg168Gly)

Gene: OR2W3 (olfactory receptor family 2 subfamily W member 3; plus strand). Cytogenetic location: 1q44.
Variant type: single nucleotide variant.
Coding change: c.502C>G on transcript NM_001001957.2 (MANE Select); coding-DNA position 502, C replaced by G.
Protein change: p.Arg168Gly; replaces arginine 168 with glycine.
Molecular consequence: missense variant.
Genome position (GRCh38, 1-based): chr1:247,896,088, C>G. VCF-style: chr1-247896088-C-G. GRCh37 (hg19) VCF-style: chr1-248059390-C-G.
Other names: short protein forms R168G.
Identifiers: ClinVar variation 1378087 (VCV001378087.6), dbSNP rs372808578, ClinGen allele CA345593775.
Genomic context (GRCh38, chr1:247,896,088, plus strand): 5'-ACCTGGGGCTGTGGGGTGGCCAACTCCTTGGCCATGTCTCCTGTGACCCTGCGCTTACCC[C>G]GCTGTGGGCACCACGAGGTGGACCACTTCCTGCGTGAGATGCCCGCCCTGATCCGGATGG-3'
Protein context (NP_001001957.2, residues 158-178): AMSPVTLRLP[Arg168Gly]CGHHEVDHFL